The following is an entry in ClinVar:

NM_000179.3(MSH6):c.1479G>A (p.Glu493=)

Gene: MSH6 (mutS homolog 6; plus strand). Cytogenetic location: 2p16.3.
Variant type: single nucleotide variant.
Coding change: c.1479G>A on transcript NM_000179.3 (MANE Select); coding-DNA position 1479, G replaced by A.
Protein change: p.Glu493=; no amino-acid change (glutamic acid 493 retained).
Molecular consequence: synonymous variant. On other transcripts: non-coding transcript variant (4), intron variant (1).
Genome position (GRCh38, 1-based): chr2:47,799,462, G>A. VCF-style: chr2-47799462-G-A. GRCh37 (hg19) VCF-style: chr2-48026601-G-A.
Other names: c.1089G>A, p.Glu363= (NM_001281492.2); c.573G>A, p.Glu191= (NM_001281493.2, NM_001281494.2, NM_001406811.1 and 6 more transcripts); c.1575G>A, p.Glu525= (NM_001406795.1, NM_001406802.1); c.1479G>A, p.Glu493= (NM_001406796.1, NM_001406798.1, NM_001406800.1 and 4 more transcripts); c.1182G>A, p.Glu394= (NM_001406797.1, NM_001406801.1, NM_001406805.1 and 10 more transcripts); c.954G>A, p.Glu318= (NM_001406799.1, NM_001406806.1, NM_001406807.1); c.1401G>A, p.Glu467= (NM_001406804.1); c.1485G>A, p.Glu495= (NM_001406813.1); and 2 more.
Identifiers: ClinVar variation 2786501 (VCV002786501.5), dbSNP rs753042580, ClinGen allele CA067732.

ClinVar aggregate classification (germline): Likely benign. Review status: criteria provided, multiple submitters, no conflicts (2 of 4 stars). 3 submissions from 3 submitters: Likely benign (3). Last evaluated 2025-03-04.

Conditions:
Hereditary cancer-predisposing syndrome. Also called: Hereditary neoplastic syndrome; Neoplastic Syndromes, Hereditary; Tumor predisposition; Hereditary Cancer Syndrome. Identifiers: Orphanet 140162, MedGen C0027672, MeSH D009386, MONDO:0015356.
Hereditary nonpolyposis colorectal neoplasms. Identifiers: MedGen C0009405, MeSH D003123.

Allele frequency attached by ClinVar (database versions not stated): gnomAD exomes below 0.00001; ExAC 0.00001.
gnomAD v4.1: 2 of 1,614,138 alleles (0.00012%); highest among the groups gnomAD compares: South Asian, 0.0022%; no homozygotes.

Submissions (3):

Center for Genomic Medicine, Rigshospitalet, Copenhagen University Hospital
Classification: Likely benign. Last evaluated: 2025-03-04. Review status: criteria provided, single submitter. Criteria: ACMG Guidelines, 2015. Collection method: clinical testing. Allele origin: germline.
Comment: Classification criteria: BP4+BP7

Ambry Genetics
Classification: Likely benign for Hereditary cancer-predisposing syndrome. Last evaluated: 2025-01-10. Review status: criteria provided, single submitter. Criteria: Ambry Variant Classification Scheme 2023. Collection method: clinical testing. Allele origin: germline.

Labcorp Genetics (formerly Invitae), Labcorp
Classification: Likely benign for Hereditary nonpolyposis colorectal neoplasms. Last evaluated: 2023-12-10. Review status: criteria provided, single submitter. Criteria: Invitae Variant Classification Sherloc (09022015). Collection method: clinical testing. Allele origin: germline.